The following is an entry in ClinVar:

ClinVar aggregate classification (germline): Pathogenic (1 of 4 stars; one submission).

Conditions:
Immunodeficiency 104. Also called: IMMUNODEFICIENCY 104, SEVERE COMBINED; Severe Combined Immune Deficiency, Autosomal Recessive, TCell -Negative, B Cell-Positive, NK Cell-Positive, IL7R-Related; Severe combined immunodeficiency, autosomal recessive, T cell-negative, B cell-positive, NK cell-positive; SCID, AUTOSOMAL RECESSIVE, T CELL-NEGATIVE, B CELL-POSITIVE, NK CELL-POSITIVE. Identifiers: MedGen C5676890, MONDO:0012163, OMIM 608971.

Submission:

Labcorp Genetics (formerly Invitae), Labcorp
Classification: Pathogenic for Immunodeficiency 104. Last evaluated: 2023-10-05. Review status: criteria provided, single submitter. Criteria: Invitae Variant Classification Sherloc (09022015). Collection method: clinical testing. Allele origin: germline.
Comment: This sequence change creates a premature translational stop signal (p.Asn27Metfs*22) in the IL7R gene. It is expected to result in an absent or disrupted protein product. Loss-of-function variants in IL7R are known to be pathogenic (PMID: 21664875, 26123418). This variant is not present in population databases (gnomAD no frequency). This variant has not been reported in the literature in individuals affected with IL7R-related conditions. For these reasons, this variant has been classified as Pathogenic.

Literature cited by the submitters: PubMed 21664875; PubMed 26123418.

NM_002185.5(IL7R):c.80del (p.Asn27fs)

Gene: IL7R (interleukin 7 receptor; plus strand). Cytogenetic location: 5p13.2.
Variant type: Deletion.
Coding change: c.80del on transcript NM_002185.5 (MANE Select); coding-DNA position 80, one base deleted (A; older notation c.80delA).
Protein change: p.Asn27fs; shifts the reading frame from asparagine 27.
Molecular consequence: frameshift variant. On other transcripts: non-coding transcript variant (1).
Genome position (GRCh38, 1-based): chr5:35,857,057, A deleted; the last of 4 consecutive A bases (chr5:35,857,054-35,857,057); deleting any one gives the same sequence. VCF-style (leftmost placement, unchanged base first): chr5-35857053-CA-C. GRCh37 (hg19) VCF-style: chr5-35857155-CA-C.
Other names: c.80del, p.Asn27fs (NM_001410734.1); short protein forms N27fs.
Identifiers: ClinVar variation 2763597 (VCV002763597.3), dbSNP rs2531540640, ClinGen allele CA2673534493.